The following is an entry in ClinVar:

ClinVar aggregate classification (germline): Likely benign (1 of 4 stars; one submission).

Allele frequency attached by ClinVar (database versions not stated): TOPMed 0.00014; gnomAD 0.00022; 1000 Genomes Project 0.00026; gnomAD exomes 0.00026; 1000 Genomes Project 30x 0.00042; ExAC 0.00042.
gnomAD v4.1: 315 of 1,209,705 alleles (0.026%); highest among the groups gnomAD compares: South Asian, 0.055%; no homozygotes.

Submission:

CeGaT Center for Human Genetics Tuebingen
Classification: Likely benign. Last evaluated: 2022-12-01. Review status: criteria provided, single submitter. Criteria: CeGaT Center For Human Genetics Tuebingen Variant Classification Criteria Version 2. Collection method: clinical testing. Allele origin: germline. Affected: yes. Observed: 1 variant allele.
Comment: TFE3: BP4, BP7, BS2

NM_006521.6(TFE3):c.1362G>A (p.Ser454=)

Gene: TFE3 (transcription factor binding to IGHM enhancer 3; minus strand). Cytogenetic location: Xp11.23.
Variant type: single nucleotide variant.
Coding change: c.1362G>A on transcript NM_006521.6 (MANE Select); coding-DNA position 1362, G replaced by A.
Protein change: p.Ser454=; no amino-acid change (serine 454 retained).
Molecular consequence: synonymous variant.
Genome position (GRCh38, 1-based): chrX:49,030,524, C>T on the plus strand (G>A on the coding strand, the complement: TFE3 is on the minus strand). VCF-style: chrX-49030524-C-T. GRCh37 (hg19) VCF-style: chrX-48888035-C-T.
Other names: c.1047G>A, p.Ser349= (NM_001282142.2).
Identifiers: ClinVar variation 2660499 (VCV002660499.24), dbSNP rs1047561, ClinGen allele CA10407665.